The following is an entry in ClinVar:

NC_012920.1(MT-ND4):m.11157T>C

Gene: MT-ND4 (mitochondrially encoded NADH dehydrogenase 4; plus strand).
Variant type: single nucleotide variant.
Genome position: chrM-11157-T-C.
Identifiers: ClinVar variation 693349 (VCV000693349.1), dbSNP rs1603223138, ClinGen allele CA414809586.

ClinVar aggregate classification (germline): Uncertain significance (1 of 4 stars; one submission).

Conditions:
Leigh syndrome (NULS). Also called: Leigh's necrotizing encephalopathy; Leigh's disease; Leigh Syndrome (mtDNA deletion); Leigh Disease; Subacute necrotizing encephalopathy; Necrotizing encephalopathy infantile subacute of Leigh. Identifiers: Orphanet 506, MedGen C2931891, MONDO:0009723, OMIM 256000.

Submission:

Wong Mito Lab, Molecular and Human Genetics, Baylor College of Medicine
Classification: Uncertain significance for Leigh syndrome. Last evaluated: 2019-10-17. Review status: criteria provided, single submitter. Criteria: Modified ACMG Guidelines (Unpublished). Collection method: clinical testing. Allele origin: germline.
Comment: The NC_012920.1:m.11157T>C (YP_003024035.1:p.Ile133Thr) variant in MTND4 gene is interpretated to be a Uncertain Significance variant based on the modified ACMG guidelines (unpublished). This variant meets the following evidence codes: PP3